The following is an entry in ClinVar:

ClinVar aggregate classification (germline): Uncertain significance (1 of 4 stars; one submission).

Conditions:
Epidermolysis bullosa simplex with nail dystrophy (EBS5D). Identifiers: MedGen C4225309, MONDO:0014661, OMIM 616487.
Epidermolysis bullosa simplex, Ogna type (EBS5A). Also called: EPIDERMOLYSIS BULLOSA SIMPLEX 5A, OGNA TYPE; Pidermolysis bullosa simplex 5A, Ogna type. Identifiers: Orphanet 79401, MedGen C0432317, MONDO:0007555, OMIM 131950.
Epidermolysis bullosa simplex 5C, with pyloric atresia (EBS5C). Also called: PLEC1-Related Epidermolysis Bullosa with Pyloric Atresia; PLEC-Related Epidermolysis Bullosa with Pyloric Atresia; Epidermolysis bullosa simplex with pyloric atresia. Identifiers: Orphanet 158684, MedGen C2677349, MONDO:0012807, OMIM 612138.
Autosomal recessive limb-girdle muscular dystrophy type 2Q (LGMDR17). Also called: MUSCULAR DYSTROPHY, LIMB-GIRDLE, AUTOSOMAL RECESSIVE 17. Identifiers: Orphanet 254361, MedGen C3150989, MONDO:0013390, OMIM 613723.
Epidermolysis bullosa simplex 5B, with muscular dystrophy (EBS5B). Also called: EPIDERMOLYSIS BULLOSA SIMPLEX AND LIMB-GIRDLE MUSCULAR DYSTROPHY; Epidermolysis bullosa simplex with muscular dystrophy. Identifiers: Orphanet 257, MedGen C2931072, MONDO:0009181, OMIM 226670.

Allele frequency attached by ClinVar (database versions not stated): gnomAD exomes below 0.00001; gnomAD 0.00001; TOPMed 0.00001.
gnomAD v4.1: 3 of 1,612,340 alleles (0.00019%); highest among the groups gnomAD compares: African/African-American, 0.004%; no homozygotes.

Submission:

Labcorp Genetics (formerly Invitae), Labcorp
Classification: Uncertain significance for Autosomal recessive limb-girdle muscular dystrophy type 2Q; Epidermolysis bullosa simplex, Ogna type; Epidermolysis bullosa simplex with nail dystrophy; Epidermolysis bullosa simplex 5C, with pyloric atresia; Epidermolysis bullosa simplex 5B, with muscular dystrophy. Last evaluated: 2023-04-17. Review status: criteria provided, single submitter. Criteria: Invitae Variant Classification Sherloc (09022015). Collection method: clinical testing. Allele origin: germline.
Comment: In summary, the available evidence is currently insufficient to determine the role of this variant in disease. Therefore, it has been classified as a Variant of Uncertain Significance. Algorithms developed to predict the effect of sequence changes on RNA splicing suggest that this variant may disrupt the consensus splice site. Advanced modeling of protein sequence and biophysical properties (such as structural, functional, and spatial information, amino acid conservation, physicochemical variation, residue mobility, and thermodynamic stability) performed at Invitae indicates that this missense variant is not expected to disrupt PLEC protein function. This variant has not been reported in the literature in individuals affected with PLEC-related conditions. This variant is present in population databases (no rsID available, gnomAD 0.01%). This sequence change replaces glutamine, which is neutral and polar, with glutamic acid, which is acidic and polar, at codon 1004 of the PLEC protein (p.Gln1004Glu).

NM_201384.3(PLEC):c.2929C>G (p.Gln977Glu)

Gene: PLEC (plectin; minus strand). Cytogenetic location: 8q24.3.
Variant type: single nucleotide variant.
Coding change: c.2929C>G on transcript NM_201384.3 (MANE Select); coding-DNA position 2929, C replaced by G.
Protein change: p.Gln977Glu; replaces glutamine 977 with glutamic acid.
Molecular consequence: missense variant.
Genome position (GRCh38, 1-based): chr8:143,929,566, G>C on the plus strand (C>G on the coding strand, the complement: PLEC is on the minus strand). VCF-style: chr8-143929566-G-C. GRCh37 (hg19) VCF-style: chr8-145003734-G-C.
Other names: c.3010C>G, p.Gln1004Glu (NM_000445.5, NM_001410941.1); c.2887C>G, p.Gln963Glu (NM_201378.4); c.2863C>G, p.Gln955Glu (NM_201379.3); c.3340C>G, p.Gln1114Glu (NM_201380.4); c.2833C>G, p.Gln945Glu (NM_201381.3); c.2929C>G, p.Gln977Glu (NM_201382.4); c.2941C>G, p.Gln981Glu (NM_201383.3); short protein forms Q955E, Q963E, Q945E, Q1004E, Q977E, Q1114E, Q981E.
Identifiers: ClinVar variation 2925856 (VCV002925856.3), dbSNP rs1044877595, ClinGen allele CA187619054.